The following is an entry in ClinVar:

ClinVar aggregate classification (germline): Uncertain significance. Review status: criteria provided, multiple submitters, no conflicts (2 of 4 stars). 2 submissions from 2 submitters: Uncertain significance (2). Last evaluated 2024-12-04.

Conditions:
Inborn genetic diseases. Identifiers: MedGen C0950123, MeSH D030342.

Allele frequency attached by ClinVar (database versions not stated): gnomAD exomes 0.00001.
gnomAD v4.1: 7 of 1,595,198 alleles (0.00044%); highest among the groups gnomAD compares: Non-Finnish European, 0.0006%; no homozygotes.

Submissions (2):

Ambry Genetics
Classification: Uncertain significance for Inborn genetic diseases. Last evaluated: 2024-12-04. Review status: criteria provided, single submitter. Criteria: Ambry Variant Classification Scheme 2023. Collection method: clinical testing. Allele origin: germline.

GeneDx
Classification: Uncertain significance. Last evaluated: 2024-09-10. Review status: criteria provided, single submitter. Criteria: GeneDx Variant Classification Process June 2021. Collection method: clinical testing. Allele origin: germline. Affected: yes.
Comment: Not observed at significant frequency in large population cohorts (gnomAD); In silico analysis supports that this missense variant has a deleterious effect on protein structure/function; This variant is associated with the following publications: (PMID: 33057194, 35982159)

Literature cited by the submitters: PubMed 35982159 (cited by Ambry Genetics).

NM_002076.4(GNS):c.1129A>G (p.Thr377Ala)

Gene: GNS (glucosamine (N-acetyl)-6-sulfatase; minus strand). Cytogenetic location: 12q14.3.
Variant type: single nucleotide variant.
Coding change: c.1129A>G on transcript NM_002076.4 (MANE Select); coding-DNA position 1129, A replaced by G.
Protein change: p.Thr377Ala; replaces threonine 377 with alanine.
Molecular consequence: missense variant.
Genome position (GRCh38, 1-based): chr12:64,729,027, T>C on the plus strand (A>G on the coding strand, the complement: GNS is on the minus strand). VCF-style: chr12-64729027-T-C. GRCh37 (hg19) VCF-style: chr12-65122807-T-C.
Other names: short protein forms T377A.
Identifiers: ClinVar variation 1303368 (VCV001303368.4), dbSNP rs2136240564, ClinGen allele CA385604400.
Genomic context (GRCh38, chr12:64,729,027, plus strand): 5'-ATAAGGACATCCCATCCATCTGTGTCTTATTTAGGTCGTAGCCAGCAATGTCCAAAATAG[T>C]AGGACCCAAGTCAATGTTGGCAACCAGCATCTATGAGAATGAGGGAAAAACAATCTAGAA-3'
Protein context (NP_002067.1, residues 367-387): MLVANIDLGP[Thr377Ala]ILDIAGYDLN